The following is an entry in ClinVar:

ClinVar aggregate classification (germline): Likely pathogenic (1 of 4 stars; one submission).

Conditions:
Nystagmus 1, congenital, X-linked. Also called: NYSTAGMUS 1, INFANTILE, X-LINKED; NYSTAGMUS, CONGENITAL MOTOR, 1; NYSTAGMUS, INFANTILE IDIOPATHIC; NYSTAGMUS, INFANTILE PERIODIC ALTERNATING, X-LINKED; FRMD7-Related Infantile Nystagmus. Identifiers: MedGen C1839580, MONDO:0010693, OMIM 310700.

Submission:

Juno Genomics, Hangzhou Juno Genomics, Inc
Classification: Likely pathogenic for Nystagmus 1, congenital, X-linked. Review status: criteria provided, single submitter. Criteria: ACMG Guidelines, 2015. Collection method: clinical testing. Allele origin: germline.
Comment: Absent from controls (or at extremely low frequency if recessive) in Genome Aggregation Database.;Null variant in a gene where loss of function (LOF) is a known mechanism of disease.

NM_194277.3(FRMD7):c.931G>T (p.Glu311Ter)

Gene: FRMD7 (FERM domain containing 7; minus strand). Cytogenetic location: Xq26.2.
Variant type: single nucleotide variant.
Coding change: c.931G>T on transcript NM_194277.3 (MANE Select); coding-DNA position 931, G replaced by T.
Protein change: p.Glu311Ter; replaces glutamic acid 311 with a stop codon.
Molecular consequence: nonsense.
Genome position (GRCh38, 1-based): chrX:132,080,241, C>A on the plus strand (G>T on the coding strand, the complement: FRMD7 is on the minus strand). VCF-style: chrX-132080241-C-A. GRCh37 (hg19) VCF-style: chrX-131214269-C-A.
Other names: c.886G>T, p.Glu296Ter (NM_001306193.2); short protein forms E296*, E311*.
Identifiers: ClinVar variation 5019592 (VCV005019592.2).